The following is an entry in ClinVar:

ClinVar aggregate classification (germline): Uncertain significance (1 of 4 stars; one submission).

Submission:

Labcorp Genetics (formerly Invitae), Labcorp
Classification: Uncertain significance. Last evaluated: 2025-10-12. Review status: criteria provided, single submitter. Criteria: Invitae Variant Classification Sherloc (09022015). Collection method: clinical testing. Allele origin: germline.
Comment: This sequence change replaces isoleucine, which is neutral and non-polar, with valine, which is neutral and non-polar, at codon 1709 of the ALPK3 protein (p.Ile1709Val). This variant is not present in population databases (gnomAD no frequency). This variant has not been reported in the literature in individuals affected with ALPK3-related conditions. Invitae Evidence Modeling of protein sequence and biophysical properties (such as structural, functional, and spatial information, amino acid conservation, physicochemical variation, residue mobility, and thermodynamic stability) indicates that this missense variant is expected to disrupt ALPK3 protein function with a positive predictive value of 80%. In summary, the available evidence is currently insufficient to determine the role of this variant in disease. Therefore, it has been classified as a Variant of Uncertain Significance.

NM_020778.5(ALPK3):c.4519A>G (p.Ile1507Val)

Gene: ALPK3 (alpha kinase 3; plus strand). Cytogenetic location: 15q25.3.
Variant type: single nucleotide variant.
Coding change: c.4519A>G on transcript NM_020778.5 (MANE Select); coding-DNA position 4519, A replaced by G.
Protein change: p.Ile1507Val; replaces isoleucine 1507 with valine.
Molecular consequence: missense variant.
Genome position (GRCh38, 1-based): chr15:84,864,461, A>G. VCF-style: chr15-84864461-A-G. GRCh37 (hg19) VCF-style: chr15-85407692-A-G.
Other names: short protein forms I1507V.
Identifiers: ClinVar variation 4772303 (VCV004772303.1).